The following is an entry in ClinVar:

ClinVar aggregate classification (germline): Uncertain significance (1 of 4 stars; one submission).

Conditions:
Holoprosencephaly 11 (HPE11). Identifiers: Orphanet 2162, MedGen C3280215, MONDO:0013642, OMIM 614226.

Submission:

Labcorp Genetics (formerly Invitae), Labcorp
Classification: Uncertain significance for Holoprosencephaly 11. Last evaluated: 2023-10-03. Review status: criteria provided, single submitter. Criteria: Invitae Variant Classification Sherloc (09022015). Collection method: clinical testing. Allele origin: germline.
Comment: This variant, c.2562_2564del, results in the deletion of 1 amino acid(s) of the CDON protein (p.Asn856del), but otherwise preserves the integrity of the reading frame. This variant is not present in population databases (gnomAD no frequency). This variant has not been reported in the literature in individuals affected with CDON-related conditions. Experimental studies and prediction algorithms are not available or were not evaluated, and the functional significance of this variant is currently unknown. In summary, the available evidence is currently insufficient to determine the role of this variant in disease. Therefore, it has been classified as a Variant of Uncertain Significance.

NM_001378964.1(CDON):c.2562_2564del (p.Asn856del)

Gene: CDON (cell adhesion associated, oncogene regulated; minus strand). Cytogenetic location: 11q24.2.
Variant type: Deletion.
Coding change: c.2562_2564del on transcript NM_001378964.1 (MANE Select); coding-DNA positions 2562 to 2564, 3 bases deleted (CAA; older notation c.2562_2564delCAA).
Protein change: p.Asn856del; deletes asparagine 856.
Molecular consequence: inframe deletion. On other transcripts: inframe indel (2).
Genome position (GRCh38, 1-based): chr11:125,994,370-125,994,372, TTG deleted on the plus strand (CAA on the coding strand, the reverse complement: CDON is on the minus strand); deleting any 3 consecutive bases within chr11:125,994,370-125,994,374 gives the same sequence; the c. name uses the placement nearest the transcript's 3' end. VCF-style (leftmost placement, unchanged base first): chr11-125994369-ATTG-A. GRCh37 (hg19) VCF-style: chr11-125864264-ATTG-A.
Other names: c.2560_2562delAAC, p.Asn856del (NM_001243597.3, NM_016952.6); short protein forms N856del.
Identifiers: ClinVar variation 2840636 (VCV002840636.3), dbSNP rs1946717800, ClinGen allele CA2006906851.